The following is an entry in ClinVar:

ClinVar aggregate classification (germline): Uncertain significance (1 of 4 stars; one submission).

Conditions:
Hereditary cancer-predisposing syndrome. Also called: Hereditary neoplastic syndrome; Neoplastic Syndromes, Hereditary; Tumor predisposition; Hereditary Cancer Syndrome. Identifiers: Orphanet 140162, MedGen C0027672, MeSH D009386, MONDO:0015356.

Submission:

Ambry Genetics
Classification: Uncertain significance for Hereditary cancer-predisposing syndrome. Last evaluated: 2024-12-25. Review status: criteria provided, single submitter. Criteria: Ambry Variant Classification Scheme 2023. Collection method: clinical testing. Allele origin: germline.
Comment: The p.V204A variant (also known as c.611T>C), located in coding exon 2 of the BLM gene, results from a T to C substitution at nucleotide position 611. The valine at codon 204 is replaced by alanine, an amino acid with similar properties. This amino acid position is conserved. In addition, this alteration is predicted to be tolerated by in silico analysis. Based on the available evidence, the clinical significance of this variant remains unclear.

NM_000057.4(BLM):c.611T>C (p.Val204Ala)

Gene: BLM (BLM RecQ like helicase; plus strand). Cytogenetic location: 15q26.1.
Variant type: single nucleotide variant.
Coding change: c.611T>C on transcript NM_000057.4 (MANE Select); coding-DNA position 611, T replaced by C.
Protein change: p.Val204Ala; replaces valine 204 with alanine.
Molecular consequence: missense variant. On other transcripts: 5 prime UTR variant (1).
Genome position (GRCh38, 1-based): chr15:90,749,879, T>C. VCF-style: chr15-90749879-T-C. GRCh37 (hg19) VCF-style: chr15-91293109-T-C.
Other names: c.611T>C, p.Val204Ala (NM_001287246.2, NM_001287247.2); c.-681T>C (NM_001287248.2); short protein forms V204A.
Identifiers: ClinVar variation 3824430 (VCV003824430.1).